The following is an entry in ClinVar:

ClinVar aggregate classification (germline): Uncertain significance. Review status: criteria provided, multiple submitters, no conflicts (2 of 4 stars). 4 submissions from 4 submitters: Uncertain significance (4). Last evaluated 2025-08-18.

Conditions:
Hereditary cancer-predisposing syndrome. Also called: Neoplastic Syndromes, Hereditary; Tumor predisposition; Hereditary neoplastic syndrome; Hereditary Cancer Syndrome. Identifiers: Orphanet 140162, MedGen C0027672, MeSH D009386, MONDO:0015356.
Multiple endocrine neoplasia type 2A. Also called: MULTIPLE ENDOCRINE NEOPLASIA, TYPE IIA; PTC SYNDROME; SIPPLE SYNDROME; MEN 2A; MEN-2A syndrome; Pheochromocytoma and amyloid producing medullary thyroid carcinoma. Identifiers: Orphanet 247698, Orphanet 653, MedGen C0025268, MeSH D018813, MONDO:0008234, OMIM 171400.
Multiple endocrine neoplasia, type 2 (MEN2). Identifiers: Orphanet 653, MedGen C4048306, MONDO:0019003. Disease mechanism: gain of function.

Allele frequency attached by ClinVar (database versions not stated): gnomAD exomes below 0.00001 and 0.00001; ExAC 0.00002.
gnomAD v4.1: 4 of 1,614,240 alleles (0.00025%); highest among the groups gnomAD compares: Admixed American, 0.0017%; no homozygotes.

Submissions (4):

Labcorp Genetics (formerly Invitae), Labcorp
Classification: Uncertain significance for Multiple endocrine neoplasia, type 2. Last evaluated: 2025-08-18. Review status: criteria provided, single submitter. Criteria: Invitae Variant Classification Sherloc (09022015). Collection method: clinical testing. Allele origin: germline.
Comment: This sequence change replaces serine, which is neutral and polar, with asparagine, which is neutral and polar, at codon 158 of the RET protein (p.Ser158Asn). This variant is present in population databases (rs780067540, gnomAD 0.003%). This variant has not been reported in the literature in individuals affected with RET-related conditions. ClinVar contains an entry for this variant (Variation ID: 840446). An algorithm developed to predict the effect of missense changes on protein structure and function (PolyPhen-2) suggests that this variant is likely to be tolerated. In summary, the available evidence is currently insufficient to determine the role of this variant in disease. Therefore, it has been classified as a Variant of Uncertain Significance.

Color Diagnostics, LLC DBA Color Health
Classification: Uncertain significance for Multiple endocrine neoplasia, type 2. Last evaluated: 2024-03-10. Review status: criteria provided, single submitter. Criteria: ACMG Guidelines, 2015. Collection method: clinical testing. Allele origin: germline.
Comment: This missense variant replaces serine with asparagine at codon 158 of the RET protein. Computational prediction suggests that this variant may not impact protein structure and function (internally defined REVEL score threshold <= 0.5, PMID: 27666373). To our knowledge, functional studies have not been reported for this variant. This variant has not been reported in individuals affected with RET-related disorders in the literature. This variant has been identified in 3/251450 chromosomes in the general population by the Genome Aggregation Database (gnomAD). The available evidence is insufficient to determine the role of this variant in disease conclusively. Therefore, this variant is classified as a Variant of Uncertain Significance.

Ambry Genetics
Classification: Uncertain significance for Hereditary cancer-predisposing syndrome. Last evaluated: 2024-02-25. Review status: criteria provided, single submitter. Criteria: Ambry Variant Classification Scheme 2023. Collection method: clinical testing. Allele origin: germline.
Comment: The p.S158N variant (also known as c.473G>A), located in coding exon 3 of the RET gene, results from a G to A substitution at nucleotide position 473. The serine at codon 158 is replaced by asparagine, an amino acid with highly similar properties. This amino acid position is conserved. In addition, this alteration is predicted to be tolerated by in silico analysis. Since supporting evidence is limited at this time, the clinical significance of this alteration remains unclear.

St. Jude Molecular Pathology, St. Jude Children's Research Hospital
Classification: Uncertain significance for Multiple endocrine neoplasia type 2A. Last evaluated: 2022-09-28. Review status: criteria provided, single submitter. Criteria: St. Jude Assertion Criteria 2020. Collection method: clinical testing. Allele origin: germline.
Comment: The RET c.473G>A (p.Ser158Asn) missense change has a maximum subpopulation frequency of 0.0029% in gnomAD v2.1.1. The in silico tool REVEL predicts a benign effect on protein function, but to our knowledge this prediction has not been confirmed by functional studies. To our knowledge, this variant has not been reported in the literature in individuals with multiple endocrine neoplasia type 2. In summary, the evidence currently available is insufficient to determine the clinical significance of this variant. It has therefore been classified as of uncertain significance.

NM_020975.6(RET):c.473G>A (p.Ser158Asn)

Gene: RET (ret proto-oncogene; plus strand). Cytogenetic location: 10q11.21.
Variant type: single nucleotide variant.
Coding change: c.473G>A on transcript NM_020975.6 (MANE Select); coding-DNA position 473, G replaced by A.
Protein change: p.Ser158Asn; replaces serine 158 with asparagine.
Molecular consequence: missense variant.
Genome position (GRCh38, 1-based): chr10:43,102,477, G>A. VCF-style: chr10-43102477-G-A. GRCh37 (hg19) VCF-style: chr10-43597925-G-A.
Other names: c.473G>A, p.Ser158Asn (NM_000323.2, NM_001406743.1, NM_001406744.1 and 16 more transcripts); c.344G>A, p.Ser115Asn (NM_001406761.1, NM_001406762.1, NM_001406764.1 and 4 more transcripts); short protein forms S158N, S115N.
Identifiers: ClinVar variation 840446 (VCV000840446.13), dbSNP rs780067540, ClinGen allele CA043792.